The following is an entry in ClinVar:

NM_000321.3(RB1):c.139C>A (p.Leu47Ile)

Gene: RB1 (RB transcriptional corepressor 1; plus strand). Cytogenetic location: 13q14.2.
Variant type: single nucleotide variant.
Coding change: c.139C>A on transcript NM_000321.3 (MANE Select); coding-DNA position 139, C replaced by A.
Protein change: p.Leu47Ile; replaces leucine 47 with isoleucine.
Molecular consequence: missense variant.
Genome position (GRCh38, 1-based): chr13:48,307,281, C>A. VCF-style: chr13-48307281-C-A. GRCh37 (hg19) VCF-style: chr13-48881417-C-A.
Other names: c.139C>A, p.Leu47Ile (NM_001407165.1, NM_001407166.1, NM_001407167.1); short protein forms L47I.
Identifiers: ClinVar variation 3231187 (VCV003231187.1), dbSNP rs1952088853, ClinGen allele CA388250421.

ClinVar aggregate classification (germline): Uncertain significance (1 of 4 stars; one submission).

Conditions:
Hereditary cancer-predisposing syndrome. Also called: Neoplastic Syndromes, Hereditary; Tumor predisposition; Hereditary neoplastic syndrome; Hereditary Cancer Syndrome. Identifiers: Orphanet 140162, MedGen C0027672, MeSH D009386, MONDO:0015356.

Submission:

Ambry Genetics
Classification: Uncertain significance for Hereditary cancer-predisposing syndrome. Last evaluated: 2024-02-27. Review status: criteria provided, single submitter. Criteria: Ambry Variant Classification Scheme 2023. Collection method: clinical testing. Allele origin: germline.
Comment: The p.L47I variant (also known as c.139C>A), located in coding exon 2 of the RB1 gene, results from a C to A substitution at nucleotide position 139. The leucine at codon 47 is replaced by isoleucine, an amino acid with highly similar properties. This amino acid position is conserved. In addition, this alteration is predicted to be tolerated by in silico analysis. Based on the available evidence, the clinical significance of this alteration remains unclear.